The following is an entry in ClinVar:

NM_004360.5(CDH1):c.885del (p.Tyr296fs)

Gene: CDH1 (cadherin 1; plus strand). Cytogenetic location: 16q22.1.
Variant type: Deletion.
Coding change: c.885del on transcript NM_004360.5 (MANE Select); coding-DNA position 885, one base deleted (C; older notation c.885delC).
Protein change: p.Tyr296fs; shifts the reading frame from tyrosine 296.
Molecular consequence: frameshift variant. On other transcripts: 5 prime UTR variant (2).
Genome position (GRCh38, 1-based): chr16:68,811,736, C deleted; the last of 2 consecutive C bases (chr16:68,811,735-68,811,736); deleting either gives the same sequence. VCF-style (leftmost placement, unchanged base first): chr16-68811734-AC-A. GRCh37 (hg19) VCF-style: chr16-68845637-AC-A.
Other names: c.885del, p.Tyr296fs (NM_001317184.2); c.-731del (NM_001317185.2); c.-935del (NM_001317186.2); short protein forms Y296fs.
Identifiers: ClinVar variation 1764913 (VCV001764913.9), dbSNP rs2543922300, ClinGen allele CA2580091843.
Genomic context (GRCh38, chr16:68,811,734, plus strand): 5'-ACTCTTCCAGGAACCTCTGTGATGGAGGTCACAGCCACAGACGCGGACGATGATGTGAAC[AC>A]CTACAATGCCGCCATCGCTTACACCATCCTCAGCCAAGATCCTGAGCTCCCTGACAAAAA-3'

ClinVar aggregate classification (germline): Pathogenic. Review status: criteria provided, multiple submitters, no conflicts (2 of 4 stars). 3 submissions from 3 submitters: Pathogenic (3). Last evaluated 2023-06-12.

Conditions:
Hereditary cancer-predisposing syndrome. Also called: Neoplastic Syndromes, Hereditary; Tumor predisposition; Hereditary neoplastic syndrome; Hereditary Cancer Syndrome. Identifiers: Orphanet 140162, MedGen C0027672, MeSH D009386, MONDO:0015356.
Hereditary diffuse gastric adenocarcinoma (HDGC). Also called: DIFFUSE GASTRIC AND LOBULAR BREAST CANCER SYNDROME. Identifiers: Orphanet 26106, MedGen C1708349, MONDO:0007648, OMIM 137215.

Submissions (3):

Myriad Genetics, Inc.
Classification: Pathogenic for Hereditary diffuse gastric adenocarcinoma. Last evaluated: 2023-06-12. Review status: criteria provided, single submitter. Criteria: Myriad Autosomal Dominant, Autosomal Recessive and X-Linked Classification Criteria (2023). Collection method: clinical testing. Allele origin: unknown.
Comment: This variant is considered pathogenic. This variant creates a frameshift predicted to result in premature protein truncation.

Labcorp Genetics (formerly Invitae), Labcorp
Classification: Pathogenic for Hereditary diffuse gastric adenocarcinoma. Last evaluated: 2022-06-30. Review status: criteria provided, single submitter. Criteria: Invitae Variant Classification Sherloc (09022015). Collection method: clinical testing. Allele origin: germline.
Comment: For these reasons, this variant has been classified as Pathogenic. This variant has not been reported in the literature in individuals affected with CDH1-related conditions. This variant is not present in population databases (gnomAD no frequency). This sequence change creates a premature translational stop signal (p.Tyr296Thrfs*60) in the CDH1 gene. It is expected to result in an absent or disrupted protein product. Loss-of-function variants in CDH1 are known to be pathogenic (PMID: 15235021, 20373070).

Ambry Genetics
Classification: Pathogenic for Hereditary cancer-predisposing syndrome. Last evaluated: 2021-04-28. Review status: criteria provided, single submitter. Criteria: Ambry Variant Classification Scheme 2023. Collection method: clinical testing. Allele origin: germline.
Comment: The c.885delC variant, located in coding exon 7 of the CDH1 gene, results from a deletion of one nucleotide at nucleotide position 885, causing a translational frameshift with a predicted alternate stop codon (p.Y296Tfs*60). This alteration is expected to result in loss of function by premature protein truncation or nonsense-mediated mRNA decay. As such, this alteration is interpreted as a disease-causing mutation.

Literature cited by the submitters: PubMed 15235021 (cited by Labcorp Genetics (formerly Invitae), Labcorp); PubMed 20373070 (cited by Labcorp Genetics (formerly Invitae), Labcorp).